The following is an entry in ClinVar:

ClinVar aggregate classification (germline): Uncertain significance. Review status: criteria provided, multiple submitters, no conflicts (2 of 4 stars). 4 submissions from 4 submitters: Uncertain significance (4). Last evaluated 2025-01-11.

Conditions:
Hereditary cancer-predisposing syndrome. Also called: Neoplastic Syndromes, Hereditary; Tumor predisposition; Hereditary Cancer Syndrome; Hereditary neoplastic syndrome. Identifiers: Orphanet 140162, MedGen C0027672, MeSH D009386, MONDO:0015356.
Nijmegen breakage syndrome-like disorder (NBSLD). Also called: MICROCEPHALY AND SPONTANEOUS CHROMOSOME INSTABILITY WITHOUT IMMUNODEFICIENCY; NBS-LIKE DISORDER; RAD50 DEFICIENCY. Identifiers: Orphanet 240760, MedGen C2751318, MONDO:0013118, OMIM 613078.

Allele frequency attached by ClinVar (database versions not stated): gnomAD exomes below 0.00001.
gnomAD v4.1: 2 of 1,614,058 alleles (0.00012%); highest among the groups gnomAD compares: Non-Finnish European, 0.00017%; no homozygotes.

Submissions (4):

Ambry Genetics
Classification: Uncertain significance for Hereditary cancer-predisposing syndrome. Last evaluated: 2025-01-11. Review status: criteria provided, single submitter. Criteria: Ambry Variant Classification Scheme 2023. Collection method: clinical testing. Allele origin: germline.
Comment: The p.A40V variant (also known as c.119C>T), located in coding exon 1 of the RAD50 gene, results from a C to T substitution at nucleotide position 119. The alanine at codon 40 is replaced by valine, an amino acid with similar properties. This amino acid position is highly conserved in available vertebrate species. In addition, the in silico prediction for this alteration is inconclusive. Since supporting evidence is limited at this time, the clinical significance of this alteration remains unclear.

Labcorp Genetics (formerly Invitae), Labcorp
Classification: Uncertain significance for Hereditary cancer-predisposing syndrome. Last evaluated: 2024-02-05. Review status: criteria provided, single submitter. Criteria: Invitae Variant Classification Sherloc (09022015). Collection method: clinical testing. Allele origin: germline.
Comment: This sequence change replaces alanine, which is neutral and non-polar, with valine, which is neutral and non-polar, at codon 40 of the RAD50 protein (p.Ala40Val). This variant is not present in population databases (gnomAD no frequency). This variant has not been reported in the literature in individuals affected with RAD50-related conditions. ClinVar contains an entry for this variant (Variation ID: 482090). Advanced modeling of protein sequence and biophysical properties (such as structural, functional, and spatial information, amino acid conservation, physicochemical variation, residue mobility, and thermodynamic stability) performed at Invitae indicates that this missense variant is expected to disrupt RAD50 protein function with a positive predictive value of 80%. In summary, the available evidence is currently insufficient to determine the role of this variant in disease. Therefore, it has been classified as a Variant of Uncertain Significance.

Baylor Genetics
Classification: Uncertain significance for Nijmegen breakage syndrome-like disorder. Last evaluated: 2023-06-26. Review status: criteria provided, single submitter. Criteria: ACMG Guidelines, 2015. Collection method: clinical testing. Allele origin: unknown.

Fulgent Genetics
Classification: Uncertain significance for Nijmegen breakage syndrome-like disorder. Last evaluated: 2018-10-31. Review status: criteria provided, single submitter. Criteria: ACMG Guidelines, 2015. Collection method: clinical testing. Allele origin: unknown.

NM_005732.4(RAD50):c.119C>T (p.Ala40Val)

Gene: RAD50 (RAD50 double strand break repair protein; plus strand). Cytogenetic location: 5q31.1.
Variant type: single nucleotide variant.
Coding change: c.119C>T on transcript NM_005732.4 (MANE Select); coding-DNA position 119, C replaced by T.
Protein change: p.Ala40Val; replaces alanine 40 with valine.
Molecular consequence: missense variant.
Genome position (GRCh38, 1-based): chr5:132,557,443, C>T. VCF-style: chr5-132557443-C-T. GRCh37 (hg19) VCF-style: chr5-131893135-C-T.
Other names: short protein forms A40V.
Identifiers: ClinVar variation 482090 (VCV000482090.19), dbSNP rs1554096657, ClinGen allele CA360951907.
Genomic context (GRCh38, chr5:132,557,443, plus strand): 5'-AAGATAAGCAAATTATCACTTTCTTCAGCCCCCTTACAATTTTGGTTGGACCCAATGGGG[C>T]GGGAAAGACGGTAAGTCTTCAGTAGCCGCCTTCAGTTTACAGGTCGCTACATCTTTCGGA-3'
Protein context (NP_005723.2, residues 30-50): PLTILVGPNG[Ala40Val]GKTTIIECLK